The following is an entry in ClinVar:

ClinVar aggregate classification (germline): Uncertain significance (1 of 4 stars; one submission).

Conditions:
Progressive familial heart block type IB (PFHB1B). Identifiers: Orphanet 871, MedGen C1970298, MONDO:0011474, OMIM 604559.

Submission:

Labcorp Genetics (formerly Invitae), Labcorp
Classification: Uncertain significance for Progressive familial heart block type IB. Last evaluated: 2023-10-10. Review status: criteria provided, single submitter. Criteria: Invitae Variant Classification Sherloc (09022015). Collection method: clinical testing. Allele origin: germline.
Comment: This variant, c.3502_3510del, results in the deletion of 3 amino acid(s) of the TRPM4 protein (p.Tyr1168_Gln1170del), but otherwise preserves the integrity of the reading frame. This variant is not present in population databases (gnomAD no frequency). This variant has not been reported in the literature in individuals affected with TRPM4-related conditions. Experimental studies and prediction algorithms are not available or were not evaluated, and the functional significance of this variant is currently unknown. In summary, the available evidence is currently insufficient to determine the role of this variant in disease. Therefore, it has been classified as a Variant of Uncertain Significance.

NM_017636.4(TRPM4):c.3502_3510del (p.Tyr1168_Gln1170del)

Gene: TRPM4 (transient receptor potential cation channel subfamily M member 4; plus strand). Cytogenetic location: 19q13.33.
Variant type: Deletion.
Coding change: c.3502_3510del on transcript NM_017636.4 (MANE Select); coding-DNA positions 3502 to 3510, 9 bases deleted (TACGAACAG; older notation c.3502_3510delTACGAACAG).
Protein change: p.Tyr1168_Gln1170del.
Molecular consequence: inframe deletion.
Genome position (GRCh38, 1-based): chr19:49,211,055-49,211,063, TACGAACAG deleted; deleting any 9 consecutive bases within chr19:49,211,053-49,211,063 gives the same sequence; the c. name uses the placement nearest the transcript's 3' end. VCF-style (leftmost placement, unchanged base first): chr19-49211052-GAGTACGAAC-G. GRCh37 (hg19) VCF-style: chr19-49714309-GAGTACGAAC-G.
Other names: c.3067_3075del, p.Tyr1023_Gln1025del (NM_001195227.2); c.3157_3165del, p.Tyr1053_Gln1055del (NM_001321281.2); c.1894_1902del, p.Tyr632_Gln634del (NM_001321282.2); c.2980_2988del, p.Tyr994_Gln996del (NM_001321283.2); c.2440_2448del, p.Tyr814_Gln816del (NM_001321285.2).
Identifiers: ClinVar variation 3009475 (VCV003009475.3), dbSNP rs1457081650, ClinGen allele CA883080496.